The following is an entry in ClinVar:

NM_001256012.3(MYH10):c.5908_5910delinsCAG (p.Ser1970Gln)

Gene: MYH10 (myosin heavy chain 10; minus strand). Cytogenetic location: 17p13.1.
Variant type: Indel.
Coding change: c.5908_5910delinsCAG on transcript NM_001256012.3 (MANE Select); coding-DNA positions 5908 to 5910, AGC replaced by CAG.
Protein change: p.Ser1970Gln; replaces serine 1970 with glutamine.
Molecular consequence: missense variant.
Genome position (GRCh38, 1-based): chr17:8,475,918-8,475,920, GCT replaced by CTG on the plus strand (AGC replaced by CAG on the coding strand, the reverse complement: MYH10 is on the minus strand). VCF-style: chr17-8475918-GCT-CTG. GRCh37 (hg19) VCF-style: chr17-8379236-GCT-CTG.
Other names: c.5842_5844delinsCAG, p.Ser1948Gln (NM_001256095.2); c.5845_5847delinsCAG, p.Ser1949Gln (NM_001375266.1); c.5815_5817delinsCAG, p.Ser1939Gln (NM_005964.5); short protein forms S1939Q, S1948Q, S1949Q, S1970Q.
Identifiers: ClinVar variation 4086673 (VCV004086673.1).

ClinVar aggregate classification (germline): Uncertain significance (1 of 4 stars; one submission).

Submission:

GeneDx
Classification: Uncertain significance. Last evaluated: 2025-03-16. Review status: criteria provided, single submitter. Criteria: GeneDx Variant Classification Process June 2021. Collection method: clinical testing. Allele origin: germline. Affected: yes.
Comment: Not observed at significant frequency in large population cohorts (gnomAD); In silico analysis supports a deleterious effect on protein structure/function; Has not been previously published as pathogenic or benign to our knowledge